The following is an entry in ClinVar:

ClinVar aggregate classification (germline): Uncertain significance (1 of 4 stars; one submission).

Conditions:
Severe combined immunodeficiency due to DNA-PKcs deficiency. Also called: IMMUNODEFICIENCY 26 WITH NEUROLOGIC ABNORMALITIES; Immunodeficiency 26 with or without neurologic abnormalities. Identifiers: Orphanet 317425, MedGen C4014833, MONDO:0014423, OMIM 615966.

Submission:

Labcorp Genetics (formerly Invitae), Labcorp
Classification: Uncertain significance for Severe combined immunodeficiency due to DNA-PKcs deficiency. Last evaluated: 2024-11-24. Review status: criteria provided, single submitter. Criteria: Invitae Variant Classification Sherloc (09022015). Collection method: clinical testing. Allele origin: germline.
Comment: This sequence change replaces glycine, which is neutral and non-polar, with tryptophan, which is neutral and slightly polar, at codon 2697 of the PRKDC protein (p.Gly2697Trp). This variant is not present in population databases (gnomAD no frequency). This variant has not been reported in the literature in individuals affected with PRKDC-related conditions. Invitae Evidence Modeling of protein sequence and biophysical properties (such as structural, functional, and spatial information, amino acid conservation, physicochemical variation, residue mobility, and thermodynamic stability) indicates that this missense variant is expected to disrupt PRKDC protein function with a positive predictive value of 80%. In summary, the available evidence is currently insufficient to determine the role of this variant in disease. Therefore, it has been classified as a Variant of Uncertain Significance.

NM_006904.7(PRKDC):c.8089G>T (p.Gly2697Trp)

Gene: PRKDC (protein kinase, DNA-activated, catalytic subunit; minus strand). Cytogenetic location: 8q11.21.
Variant type: single nucleotide variant.
Coding change: c.8089G>T on transcript NM_006904.7 (MANE Select); coding-DNA position 8089, G replaced by T.
Protein change: p.Gly2697Trp; replaces glycine 2697 with tryptophan.
Molecular consequence: missense variant.
Genome position (GRCh38, 1-based): chr8:47,834,259, C>A on the plus strand (G>T on the coding strand, the complement: PRKDC is on the minus strand). VCF-style: chr8-47834259-C-A. GRCh37 (hg19) VCF-style: chr8-48746820-C-A.
Other names: c.8089G>T, p.Gly2697Trp (NM_001081640.2); short protein forms G2697W.
Identifiers: ClinVar variation 3705956 (VCV003705956.2).
Genomic context (GRCh38, chr8:47,834,259, plus strand): 5'-TCACTTTGTTATCCACCTCGTCCCCTGGAAGGCCCAGCCTTTTTTTCCCAAAATCAGGCC[C>A]CACTGACTTCAAGGGTGCTCTCTGTAACCTTTCACTCCTCTTGTGGGCAAACAGCAAGGA-3'
Protein context (NP_008835.5, residues 2687-2707): RLQRAPLKSV[Gly2697Trp]PDFGKKRLGL